The following is an entry in ClinVar:

ClinVar aggregate classification (germline): Uncertain significance (1 of 4 stars; one submission).

Conditions:
Hereditary cancer-predisposing syndrome. Also called: Tumor predisposition; Neoplastic Syndromes, Hereditary; Hereditary neoplastic syndrome; Hereditary Cancer Syndrome. Identifiers: Orphanet 140162, MedGen C0027672, MeSH D009386, MONDO:0015356.

Submission:

Ambry Genetics
Classification: Uncertain significance for Hereditary cancer-predisposing syndrome. Last evaluated: 2025-08-27. Review status: criteria provided, single submitter. Criteria: Ambry Variant Classification Scheme 2023. Collection method: clinical testing. Allele origin: germline.
Comment: The p.W409G variant (also known as c.1225T>G), located in coding exon 13 of the MUTYH gene, results from a T to G substitution at nucleotide position 1225. The tryptophan at codon 409 is replaced by glycine, an amino acid with highly dissimilar properties. This amino acid position is conserved. In addition, this alteration is predicted to be tolerated by in silico analysis. Based on the available evidence, the clinical significance of this variant remains unclear.

NM_001048174.2(MUTYH):c.1141T>G (p.Trp381Gly)

Gene: MUTYH (mutY DNA glycosylase; minus strand). Cytogenetic location: 1p34.1.
Variant type: single nucleotide variant.
Coding change: c.1141T>G on transcript NM_001048174.2 (MANE Select); coding-DNA position 1141, T replaced by G.
Protein change: p.Trp381Gly; replaces tryptophan 381 with glycine.
Molecular consequence: missense variant. On other transcripts: non-coding transcript variant (7).
Genome position (GRCh38, 1-based): chr1:45,331,518, A>C on the plus strand (T>G on the coding strand, the complement: MUTYH is on the minus strand). VCF-style: chr1-45331518-A-C. GRCh37 (hg19) VCF-style: chr1-45797190-A-C.
Other names: c.1141T>G, p.Trp381Gly (NM_001048171.2, NM_001048173.2, NM_001293195.2 and 6 more transcripts); c.1144T>G, p.Trp382Gly (NM_001048172.2, NM_001407086.1, NM_001407071.1 and 1 more transcripts); c.1225T>G, p.Trp409Gly (NM_001128425.2); c.1186T>G, p.Trp396Gly (NM_001293190.2); c.1174T>G, p.Trp392Gly (NM_001293191.2, NM_001407069.1, NM_001407077.1); c.865T>G, p.Trp289Gly (NM_001293192.2, NM_001293196.2, NM_001407091.1); c.796T>G, p.Trp266Gly (NM_001350650.2, NM_001407082.1, NM_001350651.2); c.1099T>G, p.Trp367Gly (NM_001407080.1); and 5 more; short protein forms W266G, W395G, W406G, W289G, W367G, W382G, W396G, W409G.
Identifiers: ClinVar variation 4113095 (VCV004113095.1).